The following is an entry in ClinVar:

NM_020754.4(ARHGAP31):c.659C>T (p.Ala220Val)

Gene: ARHGAP31 (Rho GTPase activating protein 31; plus strand). Cytogenetic location: 3q13.33.
Variant type: single nucleotide variant.
Coding change: c.659C>T on transcript NM_020754.4 (MANE Select); coding-DNA position 659, C replaced by T.
Protein change: p.Ala220Val; replaces alanine 220 with valine.
Molecular consequence: missense variant.
Genome position (GRCh38, 1-based): chr3:119,383,203, C>T. VCF-style: chr3-119383203-C-T. GRCh37 (hg19) VCF-style: chr3-119102050-C-T.
Other names: short protein forms A220V.
Identifiers: ClinVar variation 1939756 (VCV001939756.5), dbSNP rs2080418229, ClinGen allele CA354027703.

ClinVar aggregate classification (germline): Uncertain significance (1 of 4 stars; one submission).

Allele frequency attached by ClinVar (database versions not stated): gnomAD exomes below 0.00001; gnomAD 0.00001.
gnomAD v4.1: 2 of 1,614,030 alleles (0.00012%); highest among the groups gnomAD compares: Admixed American, 0.0017%; no homozygotes.

Submission:

Labcorp Genetics (formerly Invitae), Labcorp
Classification: Uncertain significance. Last evaluated: 2022-01-03. Review status: criteria provided, single submitter. Criteria: Invitae Variant Classification Sherloc (09022015). Collection method: clinical testing. Allele origin: germline.
Comment: In summary, the available evidence is currently insufficient to determine the role of this variant in disease. Therefore, it has been classified as a Variant of Uncertain Significance. Algorithms developed to predict the effect of missense changes on protein structure and function (SIFT, PolyPhen-2, Align-GVGD) all suggest that this variant is likely to be tolerated. This variant has not been reported in the literature in individuals affected with ARHGAP31-related conditions. This variant is not present in population databases (gnomAD no frequency). This sequence change replaces alanine, which is neutral and non-polar, with valine, which is neutral and non-polar, at codon 220 of the ARHGAP31 protein (p.Ala220Val).